The following is an entry in ClinVar:

ClinVar aggregate classification (germline): Pathogenic/Likely pathogenic. Review status: criteria provided, multiple submitters, no conflicts (2 of 4 stars). 4 submissions from 4 submitters: Pathogenic (2); Likely pathogenic (2). Last evaluated 2026-04-27.

Conditions:
Cerebroretinal microangiopathy with calcifications and cysts 1 (CRMCC1). Identifiers: Orphanet 313838, MedGen C4552029, MONDO:0024564, OMIM 612199.
CTC1-related disorder. Also called: CTC1-related condition.
Dyskeratosis congenita. Identifiers: Orphanet 1775, MedGen C0265965, MONDO:0015780.

Submissions (4):

Women's Health and Genetics/Laboratory Corporation of America, LabCorp
Classification: Pathogenic for Cerebroretinal microangiopathy with calcifications and cysts 1. Last evaluated: 2026-04-27. Review status: criteria provided, single submitter. Criteria: LabCorp Variant Classification Summary - May 2015. Collection method: clinical testing. Allele origin: germline.
Comment: Variant summary: CTC1 c.1070_1074delCCTAT (p.Ser357PhefsX10) results in a premature termination codon, predicted to cause a truncation of the encoded protein or absence of the protein due to nonsense mediated decay, which are commonly known mechanisms for disease. The variant allele was found at a frequency of 5.2e-05 in 248834 control chromosomes. This frequency is not significantly higher than estimated for disease-causing variants in CTC1, allowing no conclusion about variant significance. To our knowledge, no occurrence of c.1070_1074delCCTAT in individuals affected with CTC1-related conditions and no experimental evidence demonstrating its impact on protein function have been reported. ClinVar contains an entry for this variant (Variation ID: 862044). Based on the evidence outlined above, the variant was classified as pathogenic.

Blueprint Genetics
Classification: Likely pathogenic for CTC1-related disorders. Last evaluated: 2024-09-18. Review status: criteria provided, single submitter. Criteria: ACMG Guidelines, 2015. Collection method: clinical testing. Allele origin: germline. Affected: yes. Observed: 5 variant alleles.

Labcorp Genetics (formerly Invitae), Labcorp
Classification: Pathogenic for Dyskeratosis congenita. Last evaluated: 2022-02-22. Review status: criteria provided, single submitter. Criteria: Invitae Variant Classification Sherloc (09022015). Collection method: clinical testing. Allele origin: germline.
Comment: Algorithms developed to predict the effect of sequence changes on RNA splicing suggest that this variant may disrupt the consensus splice site. For these reasons, this variant has been classified as Pathogenic. ClinVar contains an entry for this variant (Variation ID: 862044). This sequence change creates a premature translational stop signal (p.Ser357Phefs*10) in the CTC1 gene. It is expected to result in an absent or disrupted protein product. Loss-of-function variants in CTC1 are known to be pathogenic (PMID: 22267198, 22387016). This variant has not been reported in the literature in individuals affected with CTC1-related conditions. This variant is present in population databases (rs773120259, gnomAD 0.03%).

Revvity Omics, Revvity
Classification: Likely pathogenic for Cerebroretinal microangiopathy with calcifications and cysts 1. Last evaluated: 2021-04-20. Review status: criteria provided, single submitter. Criteria: ACMG Guidelines, 2015. Collection method: clinical testing. Allele origin: germline.

Literature cited by the submitters: PubMed 22267198 (cited by Labcorp Genetics (formerly Invitae), Labcorp); PubMed 22387016 (cited by Labcorp Genetics (formerly Invitae), Labcorp).

NM_025099.6(CTC1):c.1070_1074del (p.Ser357fs)

Gene: CTC1 (CST telomere replication complex component 1; minus strand). Cytogenetic location: 17p13.1.
Variant type: Microsatellite.
Coding change: c.1070_1074del on transcript NM_025099.6 (MANE Select); coding-DNA positions 1070 to 1074, 5 bases deleted (CCTAT; older notation c.1070_1074delCCTAT).
Protein change: p.Ser357fs; shifts the reading frame from serine 357.
Molecular consequence: frameshift variant. On other transcripts: non-coding transcript variant (1).
Genome position (GRCh38, 1-based): chr17:8,236,061-8,236,065, ATAGG deleted on the plus strand (CCTAT on the coding strand, the reverse complement: CTC1 is on the minus strand); deleting any 5 consecutive bases within chr17:8,236,061-8,236,071 gives the same sequence; the c. name uses the placement nearest the transcript's 3' end. VCF-style (leftmost placement, unchanged base first): chr17-8236060-AATAGG-A. GRCh37 (hg19) VCF-style: chr17-8139378-AATAGG-A.
Other names: c.1070_1074delCCTAT (NM_025099.6); short protein forms S357fs.
Identifiers: ClinVar variation 862044 (VCV000862044.13), dbSNP rs773120259, ClinGen allele CA8372486.